The following is an entry in ClinVar:

ClinVar aggregate classification (germline): Uncertain significance (1 of 4 stars; one submission).

Allele frequency attached by ClinVar (database versions not stated): gnomAD 0.00001; gnomAD exomes 0.00001.
gnomAD v4.1: 13 of 1,613,718 alleles (0.00081%); highest among the groups gnomAD compares: Non-Finnish European, 0.0011%; no homozygotes.

Submission:

Labcorp Genetics (formerly Invitae), Labcorp
Classification: Uncertain significance. Last evaluated: 2025-03-10. Review status: criteria provided, single submitter. Criteria: Invitae Variant Classification Sherloc (09022015). Collection method: clinical testing. Allele origin: germline.
Comment: This sequence change replaces arginine, which is basic and polar, with lysine, which is basic and polar, at codon 1526 of the LRP5 protein (p.Arg1526Lys). This variant is not present in population databases (gnomAD no frequency). This variant has not been reported in the literature in individuals affected with LRP5-related conditions. ClinVar contains an entry for this variant (Variation ID: 2979498). Invitae Evidence Modeling of protein sequence and biophysical properties (such as structural, functional, and spatial information, amino acid conservation, physicochemical variation, residue mobility, and thermodynamic stability) indicates that this missense variant is not expected to disrupt LRP5 protein function with a negative predictive value of 95%. In summary, the available evidence is currently insufficient to determine the role of this variant in disease. Therefore, it has been classified as a Variant of Uncertain Significance.

NM_002335.4(LRP5):c.4577G>A (p.Arg1526Lys)

Gene: LRP5 (LDL receptor related protein 5; plus strand). Cytogenetic location: 11q13.2.
Variant type: single nucleotide variant.
Coding change: c.4577G>A on transcript NM_002335.4 (MANE Select); coding-DNA position 4577, G replaced by A.
Protein change: p.Arg1526Lys; replaces arginine 1526 with lysine.
Molecular consequence: missense variant.
Genome position (GRCh38, 1-based): chr11:68,446,524, G>A. VCF-style: chr11-68446524-G-A. GRCh37 (hg19) VCF-style: chr11-68213992-G-A.
Other names: c.2834G>A, p.Arg945Lys (NM_001291902.2); short protein forms R1526K, R945K.
Identifiers: ClinVar variation 2979498 (VCV002979498.3), dbSNP rs2098681498, ClinGen allele CA381617147.